The following is an entry in ClinVar:

ClinVar aggregate classification (germline): Pathogenic/Likely pathogenic. Review status: criteria provided, multiple submitters, no conflicts (2 of 4 stars). 7 submissions from 7 submitters: Pathogenic (3); Likely pathogenic (3). 1 of the submissions does not count toward it. Last evaluated 2025-11-21.

Conditions:
DNAI1-related disorder. Also called: DNAI1-related condition.
Primary ciliary dyskinesia. Also called: Ciliary dyskinesia. Identifiers: Orphanet 244, MedGen C0008780, MONDO:0016575, HP:0012265.
Kartagener syndrome (CILD1). Also called: IMMOTILE CILIA SYNDROME; CILIARY DYSKINESIA, PRIMARY, 1, WITH OR WITHOUT SITUS INVERSUS; SIEWERT SYNDROME; POLYNESIAN BRONCHIECTASIS; Dextrocardia bronchiectasis and sinusitis; CILIARY DYSKINESIA, PRIMARY, 1. Identifiers: Orphanet 244, MedGen C4551906, MONDO:0009484, OMIM 244400.

Allele frequency attached by ClinVar (database versions not stated): gnomAD exomes 0.00002 and 0.00001; TOPMed 0.00002; ESP Exome Variant Server 0.00008; gnomAD 0.00003; ExAC 0.00002.
gnomAD v4.1: 22 of 1,614,022 alleles (0.0014%); highest among the groups gnomAD compares: Middle Eastern, 0.016%; no homozygotes.

Submissions (7):

Natera, Inc.
Classification: Likely pathogenic for Primary ciliary dyskinesia. Last evaluated: 2025-11-21. Review status: criteria provided, single submitter. Criteria: Natera Variant Classification Schema (03/2026). Collection method: clinical testing. Allele origin: germline.
Comment: The c.1543G>A variant in DNAI1 is a missense variant predicted to cause substitution of glycine to serine at amino acid 515. This variant is rare in the general population with a frequency below the threshold expected for the associated phenotype(s). This variant has been observed in one or more individuals affected with the associated recessive disease, as either homozygous or compound heterozygous with a second variant (PMID: 11231901). Additionally, this variant has been observed to segregate in affected family members (PMID: 11231901). Computational prediction algorithms indicate this variant is likely to affect gene or protein function. Given the available evidence, this variant is classified as Likely Pathogenic.

Fulgent Genetics
Classification: Likely pathogenic for Kartagener syndrome. Last evaluated: 2024-05-23. Review status: criteria provided, single submitter. Criteria: ACMG Guidelines, 2015. Collection method: clinical testing. Allele origin: germline.

Labcorp Genetics (formerly Invitae), Labcorp
Classification: Pathogenic for Primary ciliary dyskinesia. Last evaluated: 2023-12-10. Review status: criteria provided, single submitter. Criteria: Invitae Variant Classification Sherloc (09022015). Collection method: clinical testing. Allele origin: germline.
Comment: This sequence change replaces glycine, which is neutral and non-polar, with serine, which is neutral and polar, at codon 515 of the DNAI1 protein (p.Gly515Ser). This variant is present in population databases (rs79833450, gnomAD 0.009%). This missense change has been observed in individual(s) with clinical features of primary ciliary dyskinesia (PMID: 11231901, 21143860, 30868567; Invitae). In at least one individual the data is consistent with being in trans (on the opposite chromosome) from a pathogenic variant. It has also been observed to segregate with disease in related individuals. ClinVar contains an entry for this variant (Variation ID: 5606). Advanced modeling of protein sequence and biophysical properties (such as structural, functional, and spatial information, amino acid conservation, physicochemical variation, residue mobility, and thermodynamic stability) performed at Invitae indicates that this missense variant is expected to disrupt DNAI1 protein function with a positive predictive value of 80%. For these reasons, this variant has been classified as Pathogenic.

PreventionGenetics, part of Exact Sciences
Classification: Likely pathogenic for DNAI1-related condition. Last evaluated: 2023-03-30. Review status: criteria provided, single submitter. Criteria: ACMG Guidelines, 2015. Collection method: clinical testing. Allele origin: germline.
Comment: The DNAI1 c.1543G>A variant is predicted to result in the amino acid substitution p.Gly515Ser. This variant has been reported in the compound heterozygous state with a second DNAI1 variant in individuals with Kartagener syndrome or primary ciliary dyskinesia (Guichard et al 2001. PubMed ID: 11231901; Chhin B et al 2009. PubMed ID: 19300481; Ziętkiewicz E et al 2010. PubMed ID: 21143860; Westphal DS et al 2019. PubMed ID: 30868567). This variant is reported in 0.0087% of alleles in individuals of Latino descent in gnomAD. This variant is interpreted as likely pathogenic.

Institute of Human Genetics Munich, TUM University Hospital
Classification: Pathogenic for Kartagener syndrome. Last evaluated: 2018-07-19. Review status: criteria provided, single submitter. Criteria: Classification criteria August 2017. Collection method: clinical testing. Allele origin: paternal. Inheritance: Autosomal recessive inheritance. Affected: yes. Observed: 1 compound heterozygote.

Ambry Genetics
Classification: Pathogenic for Primary ciliary dyskinesia. Last evaluated: 2014-07-09. Review status: criteria provided, single submitter. Criteria: Ambry Variant Classification Scheme 2023. Collection method: clinical testing. Allele origin: germline.
Comment: The p.G515S pathogenic mutation (also known as c.1543G>A), located in coding exon 16 of the DNAI1 gene, results from a G to A substitution at nucleotide position 1543. The glycine at codon 515 is replaced by serine. This pathogenic mutation was first described in two siblings with recurrent respiratory infections, immotile spermatozoa, and one sibling was confirmed to have absent or truncated outer dynein arms on electron microscopy; both siblings also carried the c.48+2dupT pathogenic mutation in trans (Guichard C et al. Am J Hum Genet. 2001;68(4):1030-5). Based on the supporting evidence, p.G515S is interpreted as a disease-causing mutation.

OMIM
Classification: Pathogenic for CILIARY DYSKINESIA, PRIMARY, 1. Last evaluated: 2001-04-01. Review status: no assertion criteria provided. Collection method: literature only. Allele origin: germline. Not counted in ClinVar's aggregate classification.

Literature cited by the submitters: PubMed 11231901 (cited by 4 submitters); PubMed 21143860 (cited by Labcorp Genetics (formerly Invitae), Labcorp); PubMed 30868567 (cited by Labcorp Genetics (formerly Invitae), Labcorp); PubMed 19300481 (cited by Ambry Genetics).

NM_012144.4(DNAI1):c.1543G>A (p.Gly515Ser)

Gene: DNAI1 (dynein axonemal intermediate chain 1; plus strand). Cytogenetic location: 9p13.3.
Variant type: single nucleotide variant.
Coding change: c.1543G>A on transcript NM_012144.4 (MANE Select); coding-DNA position 1543, G replaced by A.
Protein change: p.Gly515Ser; replaces glycine 515 with serine.
Molecular consequence: missense variant.
Genome position (GRCh38, 1-based): chr9:34,513,165, G>A. VCF-style: chr9-34513165-G-A. GRCh37 (hg19) VCF-style: chr9-34513163-G-A.
Other names: c.1543G>A (NM_012144.2); c.1555G>A, p.Gly519Ser (NM_001281428.2); short protein forms G515S, G519S.
Identifiers: ClinVar variation 5606 (VCV000005606.20), dbSNP rs79833450, ClinGen allele CA253533.